The following is an entry in ClinVar:

ClinVar aggregate classification (germline): Uncertain significance (0 of 4 stars; one submission).

Conditions:
KMT2C-related disorder. Also called: KMT2C-related disorders; KMT2C-related condition.

Submission:

PreventionGenetics, part of Exact Sciences
Classification: Uncertain significance for KMT2C-related condition. Last evaluated: 2024-08-19. Review status: no assertion criteria provided. Collection method: clinical testing. Allele origin: germline.
Comment: The KMT2C c.4686G>A variant is predicted to result in the amino acid substitution p.Met1562Ile. To our knowledge, this variant has not been reported in the literature or in a large population database, indicating this variant is rare. At this time, the clinical significance of this variant is uncertain due to the absence of conclusive functional and genetic evidence.

NM_170606.3(KMT2C):c.4686G>A (p.Met1562Ile)

Gene: KMT2C (lysine methyltransferase 2C; minus strand). Cytogenetic location: 7q36.1.
Variant type: single nucleotide variant.
Coding change: c.4686G>A on transcript NM_170606.3 (MANE Select); coding-DNA position 4686, G replaced by A.
Protein change: p.Met1562Ile; replaces methionine 1562 with isoleucine.
Molecular consequence: missense variant.
Genome position (GRCh38, 1-based): chr7:152,187,822, C>T on the plus strand (G>A on the coding strand, the complement: KMT2C is on the minus strand). VCF-style: chr7-152187822-C-T. GRCh37 (hg19) VCF-style: chr7-151884907-C-T.
Other names: short protein forms M1562I.
Identifiers: ClinVar variation 3344044 (VCV003344044.1).